The following is an entry in ClinVar:

ClinVar aggregate classification (germline): Uncertain significance (1 of 4 stars; one submission).

gnomAD v4.1: 1 of 1,613,668 alleles (0.000062%); highest among the groups gnomAD compares: Non-Finnish European, 0.000085%; no homozygotes.

Submission:

GeneDx
Classification: Uncertain significance. Last evaluated: 2025-01-28. Review status: criteria provided, single submitter. Criteria: GeneDx Variant Classification Process June 2021. Collection method: clinical testing. Allele origin: germline. Affected: yes.
Comment: Not observed at significant frequency in large population cohorts (gnomAD); In silico analysis supports that this missense variant has a deleterious effect on protein structure/function; Has not been previously published as pathogenic or benign to our knowledge

NM_002472.3(MYH8):c.2618G>C (p.Arg873Pro)

Genes: MYH8 (myosin heavy chain 8; minus strand), MYHAS (myosin heavy chain gene cluster antisense RNA; plus strand). Cytogenetic location: 17p13.1.
Variant type: single nucleotide variant.
Coding change: c.2618G>C on transcript NM_002472.3 (MANE Select); coding-DNA position 2618, G replaced by C.
Protein change: p.Arg873Pro; replaces arginine 873 with proline.
Molecular consequence: missense variant.
Genome position (GRCh38, 1-based): chr17:10,404,400, C>G on the plus strand (G>C on the coding strand, the complement: MYH8 is on the minus strand). VCF-style: chr17-10404400-C-G. GRCh37 (hg19) VCF-style: chr17-10307717-C-G.
Other names: short protein forms R873P.
Identifiers: ClinVar variation 4071941 (VCV004071941.1).
Genomic context (GRCh38, chr17:10,404,400, plus strand): 5'-TGGAGTTGCAGGTCATTTTTCTCTTTTAAGAGAGTGACCATTTTTTCCTCTAGCTCCTTC[C>G]GTTTTGCCTCTGACTTGGCGAGTTCATCTTTGGTTTTCTGGAATTCTTCCTTCATGGTGG-3'
Protein context (NP_002463.2, residues 863-883): KDELAKSEAK[Arg873Pro]KELEEKMVTL